The following is an entry in ClinVar:

NM_016356.5(DCDC2):c.206G>A (p.Arg69Gln)

Genes: DCDC2 (doublecortin domain containing 2; minus strand), KAAG1 (kidney associated DCDC2 antisense RNA 1; plus strand). Cytogenetic location: 6p22.3.
Variant type: single nucleotide variant.
Coding change: c.206G>A on transcript NM_016356.5 (MANE Select); coding-DNA position 206, G replaced by A.
Protein change: p.Arg69Gln; replaces arginine 69 with glutamine.
Molecular consequence: missense variant. On other transcripts: non-coding transcript variant (1).
Genome position (GRCh38, 1-based): chr6:24,357,545, C>T on the plus strand (G>A on the coding strand, the complement: DCDC2 is on the minus strand). VCF-style: chr6-24357545-C-T. GRCh37 (hg19) VCF-style: chr6-24357773-C-T.
Other names: c.206G>A, p.Arg69Gln (NM_001195610.2); short protein forms R69Q.
Identifiers: ClinVar variation 3035838 (VCV003035838.2), dbSNP rs568449358, ClinGen allele CA3654862.

ClinVar aggregate classification (germline): Likely benign (0 of 4 stars; one submission).

Conditions:
DCDC2-related disorder. Also called: DCDC2-related condition.

Allele frequency attached by ClinVar (database versions not stated): TOPMed 0.00002; gnomAD 0.00006; gnomAD exomes 0.00012; 1000 Genomes Project 30x 0.00016; 1000 Genomes Project 0.00020; ExAC 0.00027.
gnomAD v4.1: 186 of 1,613,542 alleles (0.012%); highest among the groups gnomAD compares: South Asian, 0.19%; 2 homozygotes.

Submission:

PreventionGenetics, part of Exact Sciences
Classification: Likely benign for DCDC2-related condition. Last evaluated: 2022-02-07. Review status: no assertion criteria provided. Collection method: clinical testing. Allele origin: germline.
Comment: This variant is classified as likely benign based on ACMG/AMP sequence variant interpretation guidelines (Richards et al. 2015 PMID: 25741868, with internal and published modifications).